The following is an entry in ClinVar:

NM_000503.6(EYA1):c.536C>T (p.Pro179Leu)

Gene: EYA1 (EYA transcriptional coactivator and phosphatase 1; minus strand). Cytogenetic location: 8q13.3.
Variant type: single nucleotide variant.
Coding change: c.536C>T on transcript NM_000503.6 (MANE Select); coding-DNA position 536, C replaced by T.
Protein change: p.Pro179Leu; replaces proline 179 with leucine.
Molecular consequence: missense variant.
Genome position (GRCh38, 1-based): chr8:71,317,572, G>A on the plus strand (C>T on the coding strand, the complement: EYA1 is on the minus strand). VCF-style: chr8-71317572-G-A. GRCh37 (hg19) VCF-style: chr8-72229807-G-A.
Other names: c.518C>T, p.Pro173Leu (NM_001288574.2); c.170C>T, p.Pro57Leu (NM_001288575.2); c.623C>T, p.Pro208Leu (NM_001370333.1); c.536C>T, p.Pro179Leu (NM_001370334.1, NM_001370335.1, NM_172058.4); c.605C>T, p.Pro202Leu (NM_001370336.1); c.437C>T, p.Pro146Leu (NM_001411797.1, NM_172060.4); c.608C>T, p.Pro203Leu (NM_172059.5); c.536C>T (NM_000503.4); short protein forms P173L, P202L, P57L, P208L, P146L, P179L, P203L.
Identifiers: ClinVar variation 3696094 (VCV003696094.3).
Genomic context (GRCh38, chr8:71,317,572, plus strand): 5'-CCTACAGGGTTAAGGAAAATAGCAATGTGTATATACAGACCTTGCATCTGGTAGCTGTAT[G>A]GTGCCTGTCCAGGTTGAGGGGTACTGAAGCTTGTGCCATAGCTGAGAAATCCTGTCTGTC-3'
Protein context (NP_000494.2, residues 169-189): SFSTPQPGQA[Pro179Leu]YSYQMQGSSF

ClinVar aggregate classification (germline): Uncertain significance. Review status: criteria provided, multiple submitters, no conflicts (2 of 4 stars). 2 submissions from 2 submitters: Uncertain significance (2). Last evaluated 2025-08-29.

Conditions:
Melnick-Fraser syndrome (BOR). Also called: Branchiootorenal Syndrome (BORS); Branchiootorenal syndrome; Branchio-oto-renal syndrome. Identifiers: Orphanet 107, MedGen C0265234, MONDO:0007029.

Submissions (2):

Labcorp Genetics (formerly Invitae), Labcorp
Classification: Uncertain significance for Melnick-Fraser syndrome. Last evaluated: 2025-08-29. Review status: criteria provided, single submitter. Criteria: Invitae Variant Classification Sherloc (09022015). Collection method: clinical testing. Allele origin: germline.
Comment: This sequence change replaces proline, which is neutral and non-polar, with leucine, which is neutral and non-polar, at codon 179 of the EYA1 protein (p.Pro179Leu). This variant is not present in population databases (gnomAD no frequency). This variant has not been reported in the literature in individuals affected with EYA1-related conditions. ClinVar contains an entry for this variant (Variation ID: 3696094). Invitae Evidence Modeling of protein sequence and biophysical properties (such as structural, functional, and spatial information, amino acid conservation, physicochemical variation, residue mobility, and thermodynamic stability) indicates that this missense variant is not expected to disrupt EYA1 protein function with a negative predictive value of 95%. In summary, the available evidence is currently insufficient to determine the role of this variant in disease. Therefore, it has been classified as a Variant of Uncertain Significance.

GeneDx
Classification: Uncertain significance. Last evaluated: 2025-06-25. Review status: criteria provided, single submitter. Criteria: GeneDx Variant Classification Process June 2021. Collection method: clinical testing. Allele origin: germline. Affected: yes.
Comment: Not observed at significant frequency in large population cohorts (gnomAD); In silico analysis supports that this missense variant has a deleterious effect on protein structure/function; Has not been previously published as pathogenic or benign to our knowledge